The following is an entry in ClinVar:

NM_001020658.2(PUM1):c.31G>A (p.Ala11Thr)

Gene: PUM1 (pumilio RNA binding family member 1; minus strand). Cytogenetic location: 1p35.2.
Variant type: single nucleotide variant.
Coding change: c.31G>A on transcript NM_001020658.2 (MANE Select); coding-DNA position 31, G replaced by A.
Protein change: p.Ala11Thr; replaces alanine 11 with threonine.
Molecular consequence: missense variant.
Genome position (GRCh38, 1-based): chr1:31,059,536, C>T on the plus strand (G>A on the coding strand, the complement: PUM1 is on the minus strand). VCF-style: chr1-31059536-C-T. GRCh37 (hg19) VCF-style: chr1-31532383-C-T.
Other names: c.31G>A, p.Ala11Thr (NM_014676.3); short protein forms A11T.
Identifiers: ClinVar variation 3360912 (VCV003360912.1).
Genomic context (GRCh38, chr1:31,059,536, plus strand): 5'-TAGCTGGTTCTTGAGGGTGATGTTTCAGGTGGGGGCTGAAAGAGTCCTGCCAAAGCACTG[C>T]TTTTCTCTTCAAGACACATGCAACGCTCATTCCACCAACACCTAAGGACAAACAGGTTAC-3'
Protein context (NP_001018494.1, residues 1-21): MSVACVLKRK[Ala11Thr]VLWQDSFSPH

ClinVar aggregate classification (germline): Uncertain significance (1 of 4 stars; one submission).

gnomAD v4.1: 1 of 1,613,978 alleles (0.000062%); highest among the groups gnomAD compares: Non-Finnish European, 0.000085%; no homozygotes.

Submission:

GeneDx
Classification: Uncertain significance. Last evaluated: 2023-07-07. Review status: criteria provided, single submitter. Criteria: GeneDx Variant Classification Process June 2021. Collection method: clinical testing. Allele origin: germline. Affected: yes.
Comment: Not observed at significant frequency in large population cohorts (gnomAD); In silico analysis supports that this missense variant does not alter protein structure/function; Has not been previously published as pathogenic or benign to our knowledge